The following is an entry in ClinVar:

NM_024422.6(DSC2):c.133del (p.Ala45fs)

Gene: DSC2 (desmocollin 2; minus strand). Cytogenetic location: 18q12.1.
Variant type: Deletion.
Coding change: c.133del on transcript NM_024422.6 (MANE Select); coding-DNA position 133, one base deleted (G; older notation c.133delG).
Protein change: p.Ala45fs; shifts the reading frame from alanine 45.
Molecular consequence: frameshift variant. On other transcripts: 5 prime UTR variant (2).
Genome position (GRCh38, 1-based): chr18:31,093,580, C deleted on the plus strand (G on the coding strand, the reverse complement: DSC2 is on the minus strand). VCF-style (leftmost placement, unchanged base first): chr18-31093579-GC-G. GRCh37 (hg19) VCF-style: chr18-28673542-GC-G.
Other names: c.-297del (NM_001406506.1, NM_001406507.1); c.133del, p.Ala45fs (NM_004949.5); short protein forms A45fs.
Identifiers: ClinVar variation 2982386 (VCV002982386.3), dbSNP rs1460932284, ClinGen allele CA778402310.
Genomic context (GRCh38, chr18:31,093,579, plus strand): 5'-AGCAAAACAGGATTTATTACAAATTTTAGGGCTTCCTTACCTCTACCAACAAGTTTCTCG[GC>G]ATCTAGTTTGGAGGGAACATGTAATGTCACATTTTTGCAGGCATCACTGGCAAATATTAA-3'

ClinVar aggregate classification (germline): Pathogenic (1 of 4 stars; one submission).

Conditions:
Arrhythmogenic right ventricular dysplasia 11. Also called: ARRHYTHMOGENIC RIGHT VENTRICULAR DYSPLASIA, FAMILIAL, 11; Arrhythmogenic Right Ventricular Dysplasia/Cardiomyopathy11; Arrhythmogenic right ventricular dysplasia 11 with mild palmoplantar keratoderma and woolly hair. Identifiers: MedGen C1864850, MONDO:0012506, OMIM 610476.

Submission:

Labcorp Genetics (formerly Invitae), Labcorp
Classification: Pathogenic for Arrhythmogenic right ventricular dysplasia 11. Last evaluated: 2024-10-23. Review status: criteria provided, single submitter. Criteria: Invitae Variant Classification Sherloc (09022015). Collection method: clinical testing. Allele origin: germline.
Comment: This sequence change creates a premature translational stop signal (p.Ala45Profs*10) in the DSC2 gene. It is expected to result in an absent or disrupted protein product. Loss-of-function variants in DSC2 are known to be pathogenic (PMID: 23911551). This variant is not present in population databases (gnomAD no frequency). This premature translational stop signal has been observed in individual(s) with arrhythmogenic right ventricular cardiomyopathy (PMID: 25825460). For these reasons, this variant has been classified as Pathogenic.

Literature cited by the submitters: PubMed 23911551; PubMed 25825460.